The following is an entry in ClinVar:

ClinVar aggregate classification (germline): Uncertain significance (1 of 4 stars; one submission).

gnomAD v4.1: 50 of 1,411,644 alleles (0.0035%); highest among the groups gnomAD compares: Non-Finnish European, 0.0043%; no homozygotes.

Submission:

Labcorp Genetics (formerly Invitae), Labcorp
Classification: Uncertain significance. Last evaluated: 2022-05-21. Review status: criteria provided, single submitter. Criteria: Invitae Variant Classification Sherloc (09022015). Collection method: clinical testing. Allele origin: germline.
Comment: In summary, the available evidence is currently insufficient to determine the role of this variant in disease. Therefore, it has been classified as a Variant of Uncertain Significance. Algorithms developed to predict the effect of missense changes on protein structure and function output the following: SIFT: "Not Available"; PolyPhen-2: "Benign"; Align-GVGD: "Not Available". The leucine amino acid residue is found in multiple mammalian species, which suggests that this missense change does not adversely affect protein function. This variant has not been reported in the literature in individuals affected with LIPT2-related conditions. The frequency data for this variant in the population databases is considered unreliable, as metrics indicate poor data quality at this position in the gnomAD database. This sequence change replaces arginine, which is basic and polar, with leucine, which is neutral and non-polar, at codon 10 of the LIPT2 protein (p.Arg10Leu).

NM_001144869.3(LIPT2):c.29G>T (p.Arg10Leu)

Genes: LIPT2 (lipoyl(octanoyl) transferase 2; minus strand), LIPT2-AS1 (LIPT2 antisense RNA 1; plus strand). Cytogenetic location: 11q13.4.
Variant type: single nucleotide variant.
Coding change: c.29G>T on transcript NM_001144869.3 (MANE Select); coding-DNA position 29, G replaced by T.
Protein change: p.Arg10Leu; replaces arginine 10 with leucine.
Molecular consequence: missense variant. On other transcripts: non-coding transcript variant (1).
Genome position (GRCh38, 1-based): chr11:74,493,675, C>A on the plus strand (G>T on the coding strand, the complement: LIPT2 is on the minus strand). VCF-style: chr11-74493675-C-A. GRCh37 (hg19) VCF-style: chr11-74204720-C-A.
Other names: c.29G>T, p.Arg10Leu (NM_001329941.2, NM_001329942.2); short protein forms R10L.
Identifiers: ClinVar variation 1953497 (VCV001953497.5), dbSNP rs556366788, ClinGen allele CA381977195.
Genomic context (GRCh38, chr11:74,493,675, plus strand): 5'-AGCCGCCGCAGCCAGCGGTCCTGCAGCCCCAGTAGCTCGGCGTACGGCACCCGACCCAGG[C>A]GCACCAACCGAACGGCGGGTTGCCGCATCGTGCCCACCGTTGCGTCCGCGGGGCCCCGCC-3'
Protein context (NP_001138341.1, residues 1-20): MRQPAVRLV[Arg10Leu]LGRVPYAELL